The following is an entry in ClinVar:

NM_003331.5(TYK2):c.1459G>A (p.Val487Met)

Gene: TYK2 (tyrosine kinase 2; minus strand). Cytogenetic location: 19p13.2.
Variant type: single nucleotide variant.
Coding change: c.1459G>A on transcript NM_003331.5 (MANE Select); coding-DNA position 1459, G replaced by A.
Protein change: p.Val487Met; replaces valine 487 with methionine.
Molecular consequence: missense variant.
Genome position (GRCh38, 1-based): chr19:10,362,566, C>T on the plus strand (G>A on the coding strand, the complement: TYK2 is on the minus strand). VCF-style: chr19-10362566-C-T. GRCh37 (hg19) VCF-style: chr19-10473242-C-T.
Other names: c.1459G>A, p.Val487Met (NM_001385197.1, NM_001385198.1, NM_001385199.1 and 6 more transcripts); c.1261G>A, p.Val421Met (NM_001385201.1); c.1369G>A, p.Val457Met (NM_001385205.1); short protein forms V457M, V421M, V487M.
Identifiers: ClinVar variation 1419042 (VCV001419042.8), dbSNP rs202083880, ClinGen allele CA404008455.

ClinVar aggregate classification (germline): Uncertain significance (1 of 4 stars; one submission).

Conditions:
Immunodeficiency 35 (IMD35). Also called: HIES WITH ATYPICAL MYCOBACTERIOSIS, AUTOSOMAL RECESSIVE; HYPER-IgE SYNDROME WITH ATYPICAL MYCOBACTERIOSIS, AUTOSOMAL RECESSIVE; TYK2 DEFICIENCY; Susceptibility to infection due to TYK2 deficiency. Identifiers: Orphanet 331226, MedGen C1969086, MONDO:0012682, OMIM 611521.

Submission:

Labcorp Genetics (formerly Invitae), Labcorp
Classification: Uncertain significance for Immunodeficiency 35. Last evaluated: 2022-08-09. Review status: criteria provided, single submitter. Criteria: Invitae Variant Classification Sherloc (09022015). Collection method: clinical testing. Allele origin: germline.
Comment: This sequence change replaces valine, which is neutral and non-polar, with methionine, which is neutral and non-polar, at codon 487 of the TYK2 protein (p.Val487Met). In summary, the available evidence is currently insufficient to determine the role of this variant in disease. Therefore, it has been classified as a Variant of Uncertain Significance. Algorithms developed to predict the effect of missense changes on protein structure and function are either unavailable or do not agree on the potential impact of this missense change (SIFT: "Not Available"; PolyPhen-2: "Probably Damaging"; Align-GVGD: "Not Available"). ClinVar contains an entry for this variant (Variation ID: 1419042). This variant has not been reported in the literature in individuals affected with TYK2-related conditions. This variant is not present in population databases (gnomAD no frequency).